The following is an entry in ClinVar:

ClinVar aggregate classification (germline): Uncertain significance (1 of 4 stars; one submission).

Conditions:
TRRAP-related disorder. Also called: TRRAP-related condition.

Submission:

PreventionGenetics, part of Exact Sciences
Classification: Uncertain significance for TRRAP-related condition. Last evaluated: 2024-12-06. Review status: criteria provided, single submitter. Criteria: ACMG Guidelines, 2015. Collection method: clinical testing. Allele origin: germline.
Comment: The TRRAP c.10232A>G variant is predicted to result in the amino acid substitution p.Lys3411Arg. To our knowledge, this variant has not been reported in the literature or in a large population database (gnomAD), indicating this variant is rare. At this time, the clinical significance of this variant is uncertain due to the absence of conclusive functional and genetic evidence.

NM_001375524.1(TRRAP):c.10361A>G (p.Lys3454Arg)

Gene: TRRAP (transformation/transcription domain associated protein; plus strand). Cytogenetic location: 7q22.1.
Variant type: single nucleotide variant.
Coding change: c.10361A>G on transcript NM_001375524.1 (MANE Select); coding-DNA position 10361, A replaced by G.
Protein change: p.Lys3454Arg; replaces lysine 3454 with arginine.
Molecular consequence: missense variant.
Genome position (GRCh38, 1-based): chr7:99,004,241, A>G. VCF-style: chr7-99004241-A-G. GRCh37 (hg19) VCF-style: chr7-98601864-A-G.
Other names: c.10319A>G, p.Lys3440Arg (NM_001244580.2); c.10232A>G, p.Lys3411Arg (NM_003496.4); short protein forms K3411R, K3440R, K3454R.
Identifiers: ClinVar variation 4997123 (VCV004997123.1).